The following is an entry in ClinVar:

ClinVar aggregate classification (germline): Uncertain significance (1 of 4 stars; one submission).

Submission:

Labcorp Genetics (formerly Invitae), Labcorp
Classification: Uncertain significance. Last evaluated: 2021-07-17. Review status: criteria provided, single submitter. Criteria: Invitae Variant Classification Sherloc (09022015). Collection method: clinical testing. Allele origin: germline.
Comment: In summary, the available evidence is currently insufficient to determine the role of this variant in disease. Therefore, it has been classified as a Variant of Uncertain Significance. Algorithms developed to predict the effect of missense changes on protein structure and function are either unavailable or do not agree on the potential impact of this missense change (SIFT: "Deleterious"; PolyPhen-2: "Probably Damaging"; Align-GVGD: "Class C0"). This variant has not been reported in the literature in individuals affected with ARHGEF18-related conditions. This variant is not present in population databases (ExAC no frequency). This sequence change replaces glycine with glutamic acid at codon 355 of the ARHGEF18 protein (p.Gly355Glu). The glycine residue is highly conserved and there is a moderate physicochemical difference between glycine and glutamic acid.

NM_001367823.1(ARHGEF18):c.1628G>A (p.Gly543Glu)

Gene: ARHGEF18 (Rho/Rac guanine nucleotide exchange factor 18; plus strand). Cytogenetic location: 19p13.2.
Variant type: single nucleotide variant.
Coding change: c.1628G>A on transcript NM_001367823.1 (MANE Select); coding-DNA position 1628, G replaced by A.
Protein change: p.Gly543Glu; replaces glycine 543 with glutamic acid.
Molecular consequence: missense variant.
Genome position (GRCh38, 1-based): chr19:7,447,059, G>A. VCF-style: chr19-7447059-G-A. GRCh37 (hg19) VCF-style: chr19-7511945-G-A.
Other names: c.902G>A, p.Gly301Glu (NM_001130955.2); c.590G>A, p.Gly197Glu (NM_001367824.1, NM_015318.4); short protein forms G543E, G301E, G197E.
Identifiers: ClinVar variation 1491152 (VCV001491152.8), dbSNP rs759205646, ClinGen allele CA403106025.